The following is an entry in ClinVar:

NM_022367.4(SEMA4A):c.95G>C (p.Gly32Ala)

Gene: SEMA4A (semaphorin 4A; plus strand). Cytogenetic location: 1q22.
Variant type: single nucleotide variant.
Coding change: c.95G>C on transcript NM_022367.4 (MANE Select); coding-DNA position 95, G replaced by C.
Protein change: p.Gly32Ala; replaces glycine 32 with alanine.
Molecular consequence: missense variant. On other transcripts: 5 prime UTR variant (1), intron variant (3).
Genome position (GRCh38, 1-based): chr1:156,154,673, G>C. VCF-style: chr1-156154673-G-C. GRCh37 (hg19) VCF-style: chr1-156124464-G-C.
Other names: c.95G>C, p.Gly32Ala (NM_001193300.2, NM_001193301.2, NM_001370567.1); c.-430G>C (NM_001370571.1); c.-385-1741G>C (NM_001370569.1); c.-158-1741G>C (NM_001370568.1); c.-159+909G>C (NM_001193302.2); short protein forms G32A.
Identifiers: ClinVar variation 933666 (VCV000933666.9), dbSNP rs577740555, ClinGen allele CA1154903.

ClinVar aggregate classification (germline): Uncertain significance (1 of 4 stars; one submission).

Submission:

Labcorp Genetics (formerly Invitae), Labcorp
Classification: Uncertain significance. Last evaluated: 2025-06-23. Review status: criteria provided, single submitter. Criteria: Invitae Variant Classification Sherloc (09022015). Collection method: clinical testing. Allele origin: germline.
Comment: This sequence change replaces glycine, which is neutral and non-polar, with alanine, which is neutral and non-polar, at codon 32 of the SEMA4A protein (p.Gly32Ala). This variant is present in population databases (rs577740555, gnomAD 0.009%). This variant has not been reported in the literature in individuals affected with SEMA4A-related conditions. ClinVar contains an entry for this variant (Variation ID: 933666). An algorithm developed to predict the effect of missense changes on protein structure and function (PolyPhen-2) suggests that this variant is likely to be tolerated. In summary, the available evidence is currently insufficient to determine the role of this variant in disease. Therefore, it has been classified as a Variant of Uncertain Significance.